The following is an entry in ClinVar:

NM_001042492.3(NF1):c.6440A>G (p.Gln2147Arg)

Gene: NF1 (neurofibromin 1; plus strand). Cytogenetic location: 17q11.2.
Variant type: single nucleotide variant.
Coding change: c.6440A>G on transcript NM_001042492.3 (MANE Select); coding-DNA position 6440, A replaced by G.
Protein change: p.Gln2147Arg; replaces glutamine 2147 with arginine.
Molecular consequence: missense variant.
Genome position (GRCh38, 1-based): chr17:31,337,380, A>G. VCF-style: chr17-31337380-A-G. GRCh37 (hg19) VCF-style: chr17-29664398-A-G.
Other names: c.6377A>G, p.Gln2126Arg (NM_000267.4); short protein forms Q2126R, Q2147R.
Identifiers: ClinVar variation 826363 (VCV000826363.4), dbSNP rs1597843700, ClinGen allele CA399013015.
Genomic context (GRCh38, chr17:31,337,380, plus strand): 5'-TAAAAAGTAATATTTTCTGTCTTTACTTGTTCCTTTATTCTCTTACAGAAGAGACCAAGC[A>G]AGTTTTGAGACTCAGTCTGACAGAGTTCTCATTACCCAAATTTTACTTGCTGTTTGGCAT-3'
Protein context (NP_001035957.1, residues 2137-2157): SQLHFSEETK[Gln2147Arg]VLRLSLTEFS

ClinVar aggregate classification (germline): Uncertain significance (1 of 4 stars; one submission).

Conditions:
Hereditary cancer-predisposing syndrome. Also called: Neoplastic Syndromes, Hereditary; Tumor predisposition; Hereditary neoplastic syndrome; Hereditary Cancer Syndrome. Identifiers: Orphanet 140162, MedGen C0027672, MeSH D009386, MONDO:0015356.
Cardiovascular phenotype. Identifiers: MedGen CN230736.

Submission:

Ambry Genetics
Classification: Uncertain significance for Cardiovascular phenotype; Hereditary cancer-predisposing syndrome. Last evaluated: 2018-02-20. Review status: criteria provided, single submitter. Criteria: Ambry Variant Classification Scheme 2023. Collection method: clinical testing. Allele origin: germline.
Comment: The p.Q2126R variant (also known as c.6377A>G), located in coding exon 42 of the NF1 gene, results from an A to G substitution at nucleotide position 6377. The glutamine at codon 2126 is replaced by arginine, an amino acid with highly similar properties. This amino acid position is highly conserved in available vertebrate species. In addition, the in silico prediction for this alteration is inconclusive. Since supporting evidence is limited at this time, the clinical significance of this alteration remains unclear.